The following is an entry in ClinVar:

ClinVar aggregate classification (germline): Uncertain significance (1 of 4 stars; one submission).

Conditions:
Hereditary cancer-predisposing syndrome. Also called: Hereditary neoplastic syndrome; Neoplastic Syndromes, Hereditary; Tumor predisposition; Hereditary Cancer Syndrome. Identifiers: Orphanet 140162, MedGen C0027672, MeSH D009386, MONDO:0015356.

Submission:

Ambry Genetics
Classification: Uncertain significance for Hereditary cancer-predisposing syndrome. Last evaluated: 2025-01-06. Review status: criteria provided, single submitter. Criteria: Ambry Variant Classification Scheme 2023. Collection method: clinical testing. Allele origin: germline.
Comment: The p.Q357P variant (also known as c.1070A>C), located in coding exon 10 of the FANCC gene, results from an A to C substitution at nucleotide position 1070. The glutamine at codon 357 is replaced by proline, an amino acid with similar properties. This amino acid position is conserved. In addition, this alteration is predicted to be tolerated by in silico analysis. Based on the available evidence, the clinical significance of this variant remains unclear.

NM_000136.3(FANCC):c.1070A>C (p.Gln357Pro)

Genes: FANCC (FA complementation group C; minus strand), AOPEP (aminopeptidase O (putative); plus strand). Cytogenetic location: 9q22.32.
Variant type: single nucleotide variant.
Coding change: c.1070A>C on transcript NM_000136.3 (MANE Select); coding-DNA position 1070, A replaced by C.
Protein change: p.Gln357Pro; replaces glutamine 357 with proline.
Molecular consequence: missense variant.
Genome position (GRCh38, 1-based): chr9:95,117,317, T>G on the plus strand (A>C on the coding strand, the complement: FANCC is on the minus strand). VCF-style: chr9-95117317-T-G. GRCh37 (hg19) VCF-style: chr9-97879599-T-G.
Other names: c.1070A>C, p.Gln357Pro (NM_001243743.2, NM_001243744.2); short protein forms Q357P.
Identifiers: ClinVar variation 3848321 (VCV003848321.1).